The following is an entry in ClinVar:

NM_000038.6(APC):c.753_754del (p.Glu251fs)

Gene: APC (APC regulator of Wnt signaling pathway; plus strand). Cytogenetic location: 5q22.2.
Variant type: Deletion.
Coding change: c.753_754del on transcript NM_000038.6 (MANE Select); coding-DNA positions 753 to 754, 2 bases deleted (AA; older notation c.753_754delAA).
Protein change: p.Glu251fs; shifts the reading frame from glutamic acid 251.
Molecular consequence: frameshift variant. On other transcripts: 5 prime UTR variant (4), non-coding transcript variant (2).
Genome position (GRCh38, 1-based): chr5:112,801,302-112,801,303, AA deleted; deleting any 2 consecutive bases within chr5:112,801,301-112,801,303 gives the same sequence; the c. name uses the placement nearest the transcript's 3' end. VCF-style (leftmost placement, unchanged base first): chr5-112801300-GAA-G. GRCh37 (hg19) VCF-style: chr5-112136997-GAA-G.
Other names: c.783_784del, p.Glu261fs (NM_001407446.1, NM_001354897.2, NM_001354902.2); c.753_754del, p.Glu251fs (NM_001407447.1, NM_001407448.1, NM_001407449.1 and 12 more transcripts); c.669_670del, p.Glu223fs (NM_001407452.1, NM_001354899.2, NM_001407467.1 and 1 more transcripts); c.576_577del, p.Glu192fs (NM_001407453.1, NM_001354900.2, NM_001354901.2 and 1 more transcripts); c.678_679del, p.Glu226fs (NM_001407451.1, NM_001354898.2, NM_001354904.2); c.699_700del, p.Glu233fs (NM_001127511.3); c.-283_-282del (NM_001354906.2, NM_001407470.1, NM_001407471.1 and 1 more transcripts); short protein forms E192fs, E223fs, E226fs, E233fs, E251fs, E261fs.
Identifiers: ClinVar variation 2583887 (VCV002583887.1), dbSNP rs2532750705, ClinGen allele CA2582341399.

ClinVar aggregate classification (germline): Pathogenic (1 of 4 stars; one submission).

Conditions:
Familial adenomatous polyposis 1 (FAP1). Also called: FAMILIAL ADENOMATOUS POLYPOSIS 1, ATTENUATED; POLYPOSIS, ADENOMATOUS INTESTINAL. Identifiers: MedGen C2713442, MONDO:0021056, OMIM 175100. Disease mechanism: loss of function.

Submission:

Myriad Genetics, Inc.
Classification: Pathogenic for Familial adenomatous polyposis 1. Last evaluated: 2023-04-27. Review status: criteria provided, single submitter. Criteria: Myriad Autosomal Dominant, Autosomal Recessive and X-Linked Classification Criteria (2023). Collection method: clinical testing. Allele origin: unknown.
Comment: This variant is considered pathogenic. This variant creates a frameshift predicted to result in premature protein truncation.